The following is an entry in ClinVar:

ClinVar aggregate classification (germline): Uncertain significance (1 of 4 stars; one submission).

Submission:

Labcorp Genetics (formerly Invitae), Labcorp
Classification: Uncertain significance. Last evaluated: 2022-08-14. Review status: criteria provided, single submitter. Criteria: Invitae Variant Classification Sherloc (09022015). Collection method: clinical testing. Allele origin: germline.
Comment: This sequence change replaces aspartic acid, which is acidic and polar, with tyrosine, which is neutral and polar, at codon 354 of the P3H2 protein (p.Asp354Tyr). This variant is not present in population databases (gnomAD no frequency). This variant has not been reported in the literature in individuals affected with P3H2-related conditions. Algorithms developed to predict the effect of missense changes on protein structure and function are either unavailable or do not agree on the potential impact of this missense change (SIFT: "Deleterious"; PolyPhen-2: "Benign"; Align-GVGD: "Class C0"). In summary, the available evidence is currently insufficient to determine the role of this variant in disease. Therefore, it has been classified as a Variant of Uncertain Significance.

NM_018192.4(P3H2):c.1060G>T (p.Asp354Tyr)

Gene: P3H2 (prolyl 3-hydroxylase 2; minus strand). Cytogenetic location: 3q28.
Variant type: single nucleotide variant.
Coding change: c.1060G>T on transcript NM_018192.4 (MANE Select); coding-DNA position 1060, G replaced by T.
Protein change: p.Asp354Tyr; replaces aspartic acid 354 with tyrosine.
Molecular consequence: missense variant.
Genome position (GRCh38, 1-based): chr3:189,987,565, C>A on the plus strand (G>T on the coding strand, the complement: P3H2 is on the minus strand). VCF-style: chr3-189987565-C-A. GRCh37 (hg19) VCF-style: chr3-189705354-C-A.
Other names: c.517G>T, p.Asp173Tyr (NM_001134418.2); short protein forms D173Y, D354Y.
Identifiers: ClinVar variation 2124083 (VCV002124083.3), dbSNP rs1283699180, ClinGen allele CA355757673.
Genomic context (GRCh38, chr3:189,987,565, plus strand): 5'-CTTTTCAAAACATTGGTCTCACCTCTCTGGCCTCAATGGATGCCGGGTCAATGCTATCAT[C>A]CAGCAGACTCTCATAGTAATCCACATTGTCTAGGACATCCTCATCATCTGGATGGCATAG-3'
Protein context (NP_060662.2, residues 344-364): DNVDYYESLL[Asp354Tyr]DSIDPASIEA